The following is an entry in ClinVar:

NM_000260.4(MYO7A):c.2186del (p.Lys729fs)

Gene: MYO7A (myosin VIIA; plus strand). Cytogenetic location: 11q13.5.
Variant type: Deletion.
Coding change: c.2186del on transcript NM_000260.4 (MANE Select); coding-DNA position 2186, one base deleted (A; older notation c.2186delA).
Protein change: p.Lys729fs; shifts the reading frame from lysine 729.
Molecular consequence: frameshift variant.
Genome position (GRCh38, 1-based): chr11:77,175,463, A deleted; the last of 2 consecutive A bases (chr11:77,175,462-77,175,463); deleting either gives the same sequence. VCF-style (leftmost placement, unchanged base first): chr11-77175461-GA-G. GRCh37 (hg19) VCF-style: chr11-76886507-GA-G.
Other names: c.2186del, p.Lys729fs (NM_001127180.2); c.2153del, p.Lys718fs (NM_001369365.1); short protein forms K718fs, K729fs.
Identifiers: ClinVar variation 1075570 (VCV001075570.7), dbSNP rs2135430894, ClinGen allele CA2499221312.
Genomic context (GRCh38, chr11:77,175,461, plus strand): 5'-GGCTGAGGCTGTGCTGGGCACCCACGATGACTGGCAGATAGGCAAAACCAAGATCTTTCT[GA>G]AGGTGAGCACAGATGCCTTCCCTGGGCTGCCCTGGGGGGGCTGTAAATTCCCATGATGTG-3'

ClinVar aggregate classification (germline): Pathogenic (1 of 4 stars; one submission).

Submission:

Labcorp Genetics (formerly Invitae), Labcorp
Classification: Pathogenic. Last evaluated: 2020-05-15. Review status: criteria provided, single submitter. Criteria: Invitae Variant Classification Sherloc (09022015). Collection method: clinical testing. Allele origin: germline.
Comment: For these reasons, this variant has been classified as Pathogenic. Loss-of-function variants in MYO7A are known to be pathogenic (PMID: 8900236, 25404053). This variant has not been reported in the literature in individuals with MYO7A-related conditions. This variant is not present in population databases (ExAC no frequency). This sequence change creates a premature translational stop signal (p.Lys729Argfs*37) in the MYO7A gene. It is expected to result in an absent or disrupted protein product.

Literature cited by the submitters: PubMed 8900236; PubMed 25404053.